The following is an entry in ClinVar:

NM_000528.4(MAN2B1):c.1652T>C (p.Ile551Thr)

Gene: MAN2B1 (mannosidase alpha class 2B member 1; minus strand). Cytogenetic location: 19p13.13.
Variant type: single nucleotide variant.
Coding change: c.1652T>C on transcript NM_000528.4 (MANE Select); coding-DNA position 1652, T replaced by C.
Protein change: p.Ile551Thr; replaces isoleucine 551 with threonine.
Molecular consequence: missense variant.
Genome position (GRCh38, 1-based): chr19:12,655,872, A>G on the plus strand (T>C on the coding strand, the complement: MAN2B1 is on the minus strand). VCF-style: chr19-12655872-A-G. GRCh37 (hg19) VCF-style: chr19-12766686-A-G.
Other names: c.1649T>C, p.Ile550Thr (NM_001173498.2); short protein forms I550T, I551T.
Identifiers: ClinVar variation 1487877 (VCV001487877.8), dbSNP rs1475575364, ClinGen allele CA404245110.

ClinVar aggregate classification (germline): Uncertain significance (1 of 4 stars; one submission).

Conditions:
Deficiency of alpha-mannosidase (MANSA). Also called: Alpha-Mannosidosis; LYSOSOMAL ALPHA-D-MANNOSIDASE DEFICIENCY; Mannosidosis, alpha-, types I and II. Identifiers: Orphanet 61, MedGen C0024748, MONDO:0009561, OMIM 248500.

Allele frequency attached by ClinVar (database versions not stated): gnomAD exomes below 0.00001; TOPMed below 0.00001.
gnomAD v4.1: 1 of 1,613,690 alleles (0.000062%); no homozygotes.

Submission:

Labcorp Genetics (formerly Invitae), Labcorp
Classification: Uncertain significance for Deficiency of alpha-mannosidase. Last evaluated: 2022-07-05. Review status: criteria provided, single submitter. Criteria: Invitae Variant Classification Sherloc (09022015). Collection method: clinical testing. Allele origin: germline.
Comment: In summary, the available evidence is currently insufficient to determine the role of this variant in disease. Therefore, it has been classified as a Variant of Uncertain Significance. Algorithms developed to predict the effect of missense changes on protein structure and function output the following: SIFT: "Tolerated"; PolyPhen-2: "Benign"; Align-GVGD: "Class C0". The threonine amino acid residue is found in multiple mammalian species, which suggests that this missense change does not adversely affect protein function. ClinVar contains an entry for this variant (Variation ID: 1487877). This variant has not been reported in the literature in individuals affected with MAN2B1-related conditions. This variant is present in population databases (no rsID available, gnomAD no frequency). This sequence change replaces isoleucine, which is neutral and non-polar, with threonine, which is neutral and polar, at codon 551 of the MAN2B1 protein (p.Ile551Thr).